The following is an entry in ClinVar:

NM_004304.5(ALK):c.3694G>A (p.Asp1232Asn)

Gene: ALK (ALK receptor tyrosine kinase; minus strand). Cytogenetic location: 2p23.2.
Variant type: single nucleotide variant.
Coding change: c.3694G>A on transcript NM_004304.5 (MANE Select); coding-DNA position 3694, G replaced by A.
Protein change: p.Asp1232Asn; replaces aspartic acid 1232 with asparagine.
Molecular consequence: missense variant.
Genome position (GRCh38, 1-based): chr2:29,214,033, C>T on the plus strand (G>A on the coding strand, the complement: ALK is on the minus strand). VCF-style: chr2-29214033-C-T. GRCh37 (hg19) VCF-style: chr2-29436899-C-T.
Other names: c.490G>A, p.Asp164Asn (NM_001353765.2); short protein forms D164N, D1232N.
Identifiers: ClinVar variation 2828311 (VCV002828311.3), dbSNP rs2148159421, ClinGen allele CA346471430.

ClinVar aggregate classification (germline): Uncertain significance (1 of 4 stars; one submission).

Conditions:
Neuroblastoma, susceptibility to, 3. Also called: ALK-Related Neuroblastic Tumor Susceptibility. Identifiers: Orphanet 635, MedGen C2751681, MONDO:0013083, OMIM 613014.

Allele frequency attached by ClinVar (database versions not stated): gnomAD exomes below 0.00001.
gnomAD v4.1: 3 of 1,614,066 alleles (0.00019%); highest among the groups gnomAD compares: Admixed American, 0.0017%; no homozygotes.

Submission:

Labcorp Genetics (formerly Invitae), Labcorp
Classification: Uncertain significance for Neuroblastoma, susceptibility to, 3. Last evaluated: 2023-01-13. Review status: criteria provided, single submitter. Criteria: Invitae Variant Classification Sherloc (09022015). Collection method: clinical testing. Allele origin: germline.
Comment: Algorithms developed to predict the effect of missense changes on protein structure and function are either unavailable or do not agree on the potential impact of this missense change (SIFT: "Deleterious"; PolyPhen-2: "Probably Damaging"; Align-GVGD: "Class C15"). In summary, the available evidence is currently insufficient to determine the role of this variant in disease. Therefore, it has been classified as a Variant of Uncertain Significance. This variant has not been reported in the literature in individuals affected with ALK-related conditions. This variant is not present in population databases (gnomAD no frequency). This sequence change replaces aspartic acid, which is acidic and polar, with asparagine, which is neutral and polar, at codon 1232 of the ALK protein (p.Asp1232Asn).